The following is an entry in ClinVar:

NM_001457.4(FLNB):c.2057A>G (p.Asp686Gly)

Gene: FLNB (filamin B; plus strand). Cytogenetic location: 3p14.3.
Variant type: single nucleotide variant.
Coding change: c.2057A>G on transcript NM_001457.4 (MANE Select); coding-DNA position 2057, A replaced by G.
Protein change: p.Asp686Gly; replaces aspartic acid 686 with glycine.
Molecular consequence: missense variant.
Genome position (GRCh38, 1-based): chr3:58,109,180, A>G. VCF-style: chr3-58109180-A-G. GRCh37 (hg19) VCF-style: chr3-58094907-A-G.
Other names: c.2057A>G, p.Asp686Gly (NM_001164317.2, NM_001164318.2, NM_001164319.2); c.2057A>G (NM_001457.3); short protein forms D686G.
Identifiers: ClinVar variation 1379626 (VCV001379626.8), dbSNP rs1023245486, ClinGen allele CA75434347.
Genomic context (GRCh38, chr3:58,109,180, plus strand): 5'-CCTGTCTGATAGAGACAGTGTGAGGGCCACCTCTGGTCCTAGCTCTGGCTTTTTTGCAGG[A>G]TGGGGAAGGCCAACGCATTGACATCCAGATGAAGAACCGGATGGACGGCACATATGCATG-3'
Protein context (NP_001448.2, residues 676-696): GKAPLKIFAQ[Asp686Gly]GEGQRIDIQM

ClinVar aggregate classification (germline): Uncertain significance. Review status: criteria provided, multiple submitters, no conflicts (2 of 4 stars). 2 submissions from 2 submitters: Uncertain significance (2). Last evaluated 2025-10-14.

Conditions:
Inborn genetic diseases. Identifiers: MedGen C0950123, MeSH D030342.

Allele frequency attached by ClinVar (database versions not stated): gnomAD 0.00007 and 0.00008.
gnomAD v4.1: 18 of 1,614,036 alleles (0.0011%); highest among the groups gnomAD compares: Admixed American, 0.02%; no homozygotes.

Submissions (2):

Labcorp Genetics (formerly Invitae), Labcorp
Classification: Uncertain significance. Last evaluated: 2025-10-14. Review status: criteria provided, single submitter. Criteria: Invitae Variant Classification Sherloc (09022015). Collection method: clinical testing. Allele origin: germline.
Comment: This sequence change replaces aspartic acid, which is acidic and polar, with glycine, which is neutral and non-polar, at codon 686 of the FLNB protein (p.Asp686Gly). This variant is not present in population databases (gnomAD no frequency). This variant has not been reported in the literature in individuals affected with FLNB-related conditions. ClinVar contains an entry for this variant (Variation ID: 1379626). An algorithm developed to predict the effect of missense changes on protein structure and function (PolyPhen-2) suggests that this variant is likely to be disruptive. In summary, the available evidence is currently insufficient to determine the role of this variant in disease. Therefore, it has been classified as a Variant of Uncertain Significance.

Ambry Genetics
Classification: Uncertain significance for Inborn genetic diseases. Last evaluated: 2024-12-07. Review status: criteria provided, single submitter. Criteria: Ambry Variant Classification Scheme 2023. Collection method: clinical testing. Allele origin: germline.